The following is an entry in ClinVar:

ClinVar aggregate classification (germline): Pathogenic/Likely pathogenic. Review status: criteria provided, multiple submitters, no conflicts (2 of 4 stars). 3 submissions from 3 submitters: Pathogenic (2); Likely pathogenic (1). Last evaluated 2026-03-30.

Conditions:
Hereditary cancer-predisposing syndrome. Also called: Tumor predisposition; Neoplastic Syndromes, Hereditary; Hereditary neoplastic syndrome; Hereditary Cancer Syndrome. Identifiers: Orphanet 140162, MedGen C0027672, MeSH D009386, MONDO:0015356.
Hereditary breast ovarian cancer syndrome. Also called: Hereditary breast and ovarian cancer; Hereditary breast and ovarian cancer syndrome (HBOC); Hereditary breast and/or ovarian cancer syndrome; Breast and ovarian cancer; BRCA1- and BRCA2-Associated Hereditary Breast and Ovarian Cancer; Hereditary breast and ovarian cancer syndrome. Identifiers: Orphanet 145, MedGen C0677776, MeSH D061325, MONDO:0003582. Disease mechanism: loss of function.

Submissions (3):

Ambry Genetics
Classification: Pathogenic for Hereditary cancer-predisposing syndrome. Last evaluated: 2026-03-30. Review status: criteria provided, single submitter. Criteria: Ambry Variant Classification Scheme 2023. Collection method: clinical testing. Allele origin: germline.
Comment: The c.4074dupG pathogenic mutation, located in coding exon 9 of the BRCA1 gene, results from a duplication of G at nucleotide position 4074, causing a translational frameshift with a predicted alternate stop codon (p.Q1359Afs*9). This variant is considered to be rare based on population cohorts in the Genome Aggregation Database (gnomAD). This alteration is expected to result in loss of function by premature protein truncation or nonsense-mediated mRNA decay. As such, this alteration is interpreted as a disease-causing mutation.

Quest Diagnostics Nichols Institute San Juan Capistrano
Classification: Likely pathogenic. Last evaluated: 2021-08-13. Review status: criteria provided, single submitter. Criteria: Quest Diagnostics criteria. Collection method: clinical testing. Allele origin: unknown.
Comment: This frameshift variant is predicted to cause the premature termination of BRCA1 protein synthesis. To the best of our knowledge, the variant has not been reported in the published literature. Based on the available information, this variant is classified as likely pathogenic.

Labcorp Genetics (formerly Invitae), Labcorp
Classification: Pathogenic for Hereditary breast ovarian cancer syndrome. Last evaluated: 2019-03-05. Review status: criteria provided, single submitter. Criteria: Invitae Variant Classification Sherloc (09022015). Collection method: clinical testing. Allele origin: germline.
Comment: For these reasons, this variant has been classified as Pathogenic. Loss-of-function variants in BRCA1 are known to be pathogenic (PMID: 20104584). This variant has not been reported in the literature in individuals with BRCA1-related conditions. This variant is not present in population databases (ExAC no frequency). This sequence change creates a premature translational stop signal (p.Gln1359Alafs*9) in the BRCA1 gene. It is expected to result in an absent or disrupted protein product.

Literature cited by the submitters: PubMed 20104584 (cited by Labcorp Genetics (formerly Invitae), Labcorp).

NM_007294.4(BRCA1):c.4074dup (p.Gln1359fs)

Genes: BRCA1 (BRCA1 DNA repair associated; minus strand), LOC126862571 (BRD4-independent group 4 enhancer GRCh37_chr17:41243136-41244335; plus strand). Cytogenetic location: 17q21.31.
Variant type: Duplication.
Coding change: c.4074dup on transcript NM_007294.4 (MANE Select); coding-DNA position 4074, one base duplicated (G; older notation c.4074dupG).
Protein change: p.Gln1359fs; shifts the reading frame from glutamine 1359.
Molecular consequence: frameshift variant. On other transcripts: intron variant (135).
Genome position (GRCh38, 1-based): chr17:43,091,457, C duplicated on the plus strand (G on the coding strand, the reverse complement: BRCA1 is on the minus strand). VCF-style (leftmost placement, unchanged base first): chr17-43091456-G-GC. GRCh37 (hg19) VCF-style: chr17-41243473-G-GC.
Other names: c.4074dupG (NM_007294.3); c.3861dup, p.Gln1288fs (NM_001407571.1, NM_001407853.1, NM_001407894.1 and 9 more transcripts); c.4074dup, p.Gln1359fs (NM_001407581.1, NM_001407582.1, NM_001407583.1 and 30 more transcripts); c.4071dup, p.Gln1358fs (NM_001407587.1, NM_001407610.1, NM_001407611.1 and 22 more transcripts); c.4065dup, p.Gln1356fs (NM_001407646.1, NM_001407647.1); c.3951dup, p.Gln1318fs (NM_001407648.1, NM_001407664.1, NM_001407665.1 and 19 more transcripts); c.3948dup, p.Gln1317fs (NM_001407649.1, NM_001407670.1, NM_001407671.1 and 11 more transcripts); c.3996dup, p.Gln1333fs (NM_001407653.1, NM_001407654.1, NM_001407655.1 and 4 more transcripts); and 42 more; short protein forms Q1312fs, Q1359fs, Q1063fs, Q1191fs, Q1232fs, Q1270fs, Q1289fs, Q1292fs.
Identifiers: ClinVar variation 862120 (VCV000862120.11), dbSNP rs2053472498, ClinGen allele CA916080164.